The following is an entry in ClinVar:

ClinVar aggregate classification (germline): Conflicting classifications of pathogenicity. Review status: criteria provided, conflicting classifications (1 of 4 stars). 18 submissions from 18 submitters: Uncertain significance (7); Likely benign (8). 3 of the submissions do not count toward it. Last evaluated 2026-06-22.

Conditions:
Cardiovascular phenotype. Identifiers: MedGen CN230736.
TTN-related disorder. Also called: TTN-related disorders; TTN-related condition; TTN-related disease.
Dilated cardiomyopathy 1G (CMD1G). Identifiers: Orphanet 154, MedGen C1858763, MONDO:0011400, OMIM 604145.
Autosomal recessive limb-girdle muscular dystrophy type 2J (LGMDR10). Also called: Limb-girdle muscular dystrophy, type 2J; MUSCULAR DYSTROPHY, LIMB-GIRDLE, AUTOSOMAL RECESSIVE 10. Identifiers: Orphanet 140922, MedGen C1837342, MONDO:0012127, OMIM 608807.
Cardiomyopathy (CMYO). Also called: Cardiomyopathies. Identifiers: Orphanet 167848, MedGen C0878544, MONDO:0004994, HP:0001638. Inheritance: Various modes of inheritance.

Allele frequency attached by ClinVar (database versions not stated): ExAC 0.00024; ESP Exome Variant Server 0.00025; gnomAD exomes 0.00026 and 0.00028; TOPMed 0.00029; gnomAD 0.00032.
gnomAD v4.1: 436 of 1,596,118 alleles (0.027%); highest among the groups gnomAD compares: Admixed American, 0.054%; no homozygotes.

Submissions (18):

Women's Health and Genetics/Laboratory Corporation of America, LabCorp
Classification: Likely benign. Last evaluated: 2026-06-22. Review status: criteria provided, single submitter. Criteria: LabCorp Variant Classification Summary - May 2015. Collection method: clinical testing. Allele origin: germline.
Comment: Variant summary: TTN c.61160G>C (p.Gly20387Ala) results in a non-conservative amino acid change in the encoded protein sequence. Algorithms developed to predict the effect of missense changes on protein structure and function are either unavailable or do not agree on the potential impact of this missense change. The variant allele was found at a frequency of 0.00026 in 243090 control chromosomes, predominantly at a frequency of 0.00044 within the Latino subpopulation in the gnomAD database. The observed variant frequency within Latino control individuals in the gnomAD database exceeds the estimated maximal expected allele frequency for disease-causing variants in TTN. To our knowledge, no occurrence of c.61160G>C in individuals affected with TTN-related conditions and no experimental evidence demonstrating its impact on protein function have been reported. ClinVar contains an entry for this variant (Variation ID: 178195). Based on the evidence outlined above, the variant was classified as likely benign.

CeGaT Center for Human Genetics Tuebingen
Classification: Uncertain significance. Last evaluated: 2026-05-01. Review status: criteria provided, single submitter. Criteria: CeGaT Center For Human Genetics Tuebingen Variant Classification Criteria Version 2. Collection method: clinical testing. Allele origin: germline. Affected: yes. Observed: 4 variant alleles.

PreventionGenetics, part of Exact Sciences
Classification: Likely benign for TTN-related condition. Last evaluated: 2025-08-05. Review status: criteria provided, single submitter. Criteria: ACMG Guidelines, 2015. Collection method: clinical testing. Allele origin: germline.
Comment: This variant is classified as likely benign based on ACMG/AMP sequence variant interpretation guidelines (Richards et al. 2015 PMID: 25741868, with internal and published modifications).

Molecular Diagnostic Laboratory for Inherited Cardiovascular Disease, Montreal Heart Institute
Classification: Likely benign. Last evaluated: 2025-04-09. Review status: criteria provided, single submitter. Criteria: ACMG Guidelines, 2015. Collection method: clinical testing. Allele origin: germline. Affected: no.

Mayo Clinic Laboratories, Mayo Clinic
Classification: Likely benign. Last evaluated: 2025-04-07. Review status: criteria provided, single submitter. Criteria: ACMG Guidelines, 2015. Collection method: clinical testing. Allele origin: germline. Observed: 5 variant alleles.
Comment: BS1, BP4

Revvity Omics, Revvity
Classification: Uncertain significance. Last evaluated: 2024-12-04. Review status: criteria provided, single submitter. Criteria: ACMG Guidelines, 2015. Collection method: clinical testing. Allele origin: germline.

Blueprint Genetics
Classification: Likely benign. Last evaluated: 2024-11-07. Review status: criteria provided, single submitter. Criteria: ACMG Guidelines, 2015. Collection method: clinical testing. Allele origin: germline.

CHEO Genetics Diagnostic Laboratory, Children's Hospital of Eastern Ontario
Classification: Likely benign for Cardiomyopathy. Last evaluated: 2021-07-05. Review status: criteria provided, single submitter. Criteria: ACMG Guidelines, 2015. Collection method: clinical testing. Allele origin: germline.

GeneDx
Classification: Likely benign. Last evaluated: 2020-12-22. Review status: criteria provided, single submitter. Criteria: GeneDx Variant Classification (06012015). Collection method: clinical testing. Allele origin: germline. Affected: yes.
Comment: This variant is associated with the following publications: (PMID: 27930701)

Ambry Genetics
Classification: Likely benign for Cardiovascular phenotype. Last evaluated: 2020-03-25. Review status: criteria provided, single submitter. Criteria: Ambry Variant Classification Scheme 2023. Collection method: clinical testing. Allele origin: germline.

ARUP Laboratories, Molecular Genetics and Genomics, ARUP Laboratories
Classification: Uncertain significance. Last evaluated: 2019-05-26. Review status: criteria provided, single submitter. Criteria: ARUP Molecular Germline Variant Investigation Process. Collection method: clinical testing. Allele origin: germline.
Comment: The TTN c.68864G>C; p.Gly22955Ala variant (rs201381085; ClinVar Variation ID: 178195) is rare in the general population (<1% allele frequency in the Genome Aggregation Database) and has not been reported in the medical literature in association with dilated cardiomyopathy (DCM) or other TTN-related disease. The clinical relevance of rare missense variants in this gene, which are identified on average once per individual sequenced in affected populations (Herman 2012), is not well understood. Yet, evidence suggests that the vast majority of such missense variants do not contribute to the clinical outcome of DCM (Begay 2015). Thus, the clinical significance of the p.Gly22955Ala variant cannot be determined with certainty. References: Begay RL et al. Role of Titin Missense Variants in Dilated Cardiomyopathy. J Am Heart Assoc. 2015 Nov 13;4(11). Herman DS et al. Truncations of titin causing dilated cardiomyopathy. N Engl J Med. 2012 Feb 16;366(7):619-28. Linke and Hamdani. Gigantic business: titin properties and function through thick and thin. Circ Res 2014; 114(6): 1052-1068.

Athena Diagnostics
Classification: Uncertain significance. Last evaluated: 2019-04-26. Review status: criteria provided, single submitter. Criteria: Athena Diagnostics Criteria. Collection method: clinical testing. Allele origin: germline.

Labcorp Genetics (formerly Invitae), Labcorp
Classification: Uncertain significance for Dilated cardiomyopathy 1G; Autosomal recessive limb-girdle muscular dystrophy type 2J. Last evaluated: 2017-11-03. Review status: criteria provided, single submitter. Criteria: Invitae Variant Classification Sherloc (09022015). Collection method: clinical testing. Allele origin: germline.

Eurofins Ntd Llc (ga)
Classification: Uncertain significance. Last evaluated: 2016-06-09. Review status: criteria provided, single submitter. Criteria: EGL Classification Definitions 2015. Collection method: clinical testing. Allele origin: germline. Observed: 1 variant allele, 1 heterozygote.

Laboratory for Molecular Medicine, Mass General Brigham Personalized Medicine
Classification: Uncertain significance. Last evaluated: 2016-02-18. Review status: criteria provided, single submitter. Criteria: LMM Criteria. Collection method: clinical testing. Allele origin: germline. Observed: 3 variant alleles.
Comment: Computatio nal prediction tools and conservation analysis suggest that this variant may imp act the protein, though this information is not predictive enough to determine p athogenicity. In summary, the clinical significance of the p.Gly20387Ala variant is uncertain.

Clinical Genetics DNA and cytogenetics Diagnostics Lab, Erasmus MC, Erasmus Medical Center
Classification: Uncertain significance. Review status: no assertion criteria provided. Collection method: clinical testing. Allele origin: germline. Affected: yes. Study: VKGL Data-share Consensus. Not counted in ClinVar's aggregate classification.

Clinical Genetics, Academic Medical Center
Classification: Uncertain significance. Review status: no assertion criteria provided. Collection method: clinical testing. Allele origin: germline. Affected: yes. Study: VKGL Data-share Consensus. Not counted in ClinVar's aggregate classification.

Joint Genome Diagnostic Labs from Nijmegen and Maastricht, Radboudumc and MUMC+
Classification: Uncertain significance. Review status: no assertion criteria provided. Collection method: clinical testing. Allele origin: germline. Affected: yes. Study: VKGL Data-share Consensus. Not counted in ClinVar's aggregate classification.

Literature cited by the submitters: PubMed 27930701 (cited by 3 submitters); PubMed 35207729 (cited by Mayo Clinic Laboratories, Mayo Clinic).

NM_001267550.2(TTN):c.68864G>C (p.Gly22955Ala)

Genes: TTN-AS1 (TTN antisense RNA 1; plus strand), TTN (titin; minus strand). Cytogenetic location: 2q31.2.
Variant type: single nucleotide variant.
Coding change: c.68864G>C on transcript NM_001267550.2 (MANE Select); coding-DNA position 68864, G replaced by C.
Protein change: p.Gly22955Ala; replaces glycine 22955 with alanine.
Molecular consequence: missense variant.
Genome position (GRCh38, 1-based): chr2:178,577,471, C>G on the plus strand (G>C on the coding strand, the complement: TTN is on the minus strand). VCF-style: chr2-178577471-C-G. GRCh37 (hg19) VCF-style: chr2-179442198-C-G.
Other names: p.G21314A:GGG>GCG; p.Gly21314Ala; c.41669G>C, p.Gly13890Ala (NM_003319.4); c.42044G>C, p.Gly14015Ala (NM_133432.3); c.42245G>C, p.Gly14082Ala (NM_133437.4); c.63941G>C, p.Gly21314Ala (NM_001256850.1); c.61160G>C, p.Gly20387Ala (NM_133378.4); short protein forms G20387A, G22955A, G21314A, G13890A, G14082A, G14015A.
Identifiers: ClinVar variation 178195 (VCV000178195.76), dbSNP rs201381085, ClinGen allele CA181737.